The following is an entry in ClinVar:

NM_020928.2(ZSWIM6):c.2150G>A (p.Arg717Gln)

Gene: ZSWIM6 (zinc finger SWIM-type containing 6; plus strand). Cytogenetic location: 5q12.1.
Variant type: single nucleotide variant.
Coding change: c.2150G>A on transcript NM_020928.2 (MANE Select); coding-DNA position 2150, G replaced by A.
Protein change: p.Arg717Gln; replaces arginine 717 with glutamine.
Molecular consequence: missense variant.
Genome position (GRCh38, 1-based): chr5:61,531,630, G>A. VCF-style: chr5-61531630-G-A. GRCh37 (hg19) VCF-style: chr5-60827457-G-A.
Other names: c.2150G>A (NM_020928.1); short protein forms R717Q.
Identifiers: ClinVar variation 1604264 (VCV001604264.11), dbSNP rs199521047, ClinGen allele CA3278425.

ClinVar aggregate classification (germline): Likely benign. Review status: criteria provided, multiple submitters, no conflicts (2 of 4 stars). 3 submissions from 3 submitters: Likely benign (2). 1 of the submissions does not count toward it. Last evaluated 2026-01-28.

Conditions:
ZSWIM6-related disorder. Also called: ZSWIM6-related condition.

Allele frequency attached by ClinVar (database versions not stated): 1000 Genomes Project 30x 0.00016; TOPMed 0.00017; gnomAD 0.00019 and 0.00020; 1000 Genomes Project 0.00020; ESP Exome Variant Server 0.00022; gnomAD exomes 0.00026 and 0.00029; ExAC 0.00064.
gnomAD v4.1: 385 of 1,551,664 alleles (0.025%); highest among the groups gnomAD compares: South Asian, 0.09%; 1 homozygote.

Submissions (3):

Labcorp Genetics (formerly Invitae), Labcorp
Classification: Likely benign. Last evaluated: 2026-01-28. Review status: criteria provided, single submitter. Criteria: Invitae Variant Classification Sherloc (09022015). Collection method: clinical testing. Allele origin: germline.

Blueprint Genetics
Classification: Likely benign. Last evaluated: 2024-09-14. Review status: criteria provided, single submitter. Criteria: ACMG Guidelines, 2015. Collection method: clinical testing. Allele origin: germline.

PreventionGenetics, part of Exact Sciences
Classification: Likely benign for ZSWIM6-related condition. Last evaluated: 2022-05-22. Review status: no assertion criteria provided. Collection method: clinical testing. Allele origin: germline. Not counted in ClinVar's aggregate classification.
Comment: This variant is classified as likely benign based on ACMG/AMP sequence variant interpretation guidelines (Richards et al. 2015 PMID: 25741868, with internal and published modifications).